The following is an entry in ClinVar:

NM_002800.5(PSMB9):c.198T>C (p.Ser66=)

Gene: PSMB9 (proteasome 20S subunit beta 9; plus strand). Cytogenetic location: 6p21.32.
Variant type: single nucleotide variant.
Coding change: c.198T>C on transcript NM_002800.5 (MANE Select); coding-DNA position 198, T replaced by C.
Protein change: p.Ser66=; no amino-acid change (serine 66 retained).
Molecular consequence: synonymous variant.
Genome position (GRCh38, 1-based): chr6:32,857,332, T>C. VCF-style: chr6-32857332-T-C. GRCh37 (hg19) VCF-style: chr6-32825109-T-C.
Identifiers: ClinVar variation 3037411 (VCV003037411.2), dbSNP rs773900710, ClinGen allele CA3747208.

ClinVar aggregate classification (germline): Likely benign (0 of 4 stars; one submission).

Conditions:
PSMB9-related disorder. Also called: PSMB9-related condition.

Allele frequency attached by ClinVar (database versions not stated): ExAC 0.00001; gnomAD 0.00001; TOPMed 0.00001; gnomAD exomes 0.00004.

Submission:

PreventionGenetics, part of Exact Sciences
Classification: Likely benign for PSMB9-related condition. Last evaluated: 2019-05-02. Review status: no assertion criteria provided. Collection method: clinical testing. Allele origin: germline.
Comment: This variant is classified as likely benign based on ACMG/AMP sequence variant interpretation guidelines (Richards et al. 2015 PMID: 25741868, with internal and published modifications).